The following is an entry in ClinVar:

NM_000218.3(KCNQ1):c.514G>A (p.Val172Met)

Gene: KCNQ1 (potassium voltage-gated channel subfamily Q member 1; plus strand). Cytogenetic location: 11p15.5.
Variant type: single nucleotide variant.
Coding change: c.514G>A on transcript NM_000218.3 (MANE Select); coding-DNA position 514, G replaced by A.
Protein change: p.Val172Met; replaces valine 172 with methionine.
Molecular consequence: missense variant.
Genome position (GRCh38, 1-based): chr11:2,570,664, G>A. VCF-style: chr11-2570664-G-A. GRCh37 (hg19) VCF-style: chr11-2591894-G-A.
Other names: NM_000218.3(KCNQ1):c.514G>A; c.514G>A (LRG_287t1); c.514G>A, p.Val172Met (NM_001406836.1); c.244G>A, p.Val82Met (NM_001406837.1); c.133G>A, p.Val45Met (NM_181798.2); short protein forms V172M, V45M, V82M.
Identifiers: ClinVar variation 67078 (VCV000067078.44), dbSNP rs199472694, ClinGen allele CA007311.

ClinVar aggregate classification (germline): Benign. Review status: reviewed by expert panel (3 of 4 stars). 15 submissions from 12 submitters: Benign (1). 14 of the submissions do not count toward it. Last evaluated 2025-07-01.

Conditions:
Cardiac arrhythmia. Also called: Arrhythmia; Cardiac rhythm disease. Identifiers: MedGen C0003811, MONDO:0007263, HP:0011675.
Cardiovascular phenotype. Identifiers: MedGen CN230736.
Familial long QT syndrome (RWS). Also called: Congenital long QT syndrome; Romano-Ward syndrome; VENTRICULAR FIBRILLATION WITH PROLONGED QT INTERVAL. Identifiers: Orphanet 768, MedGen C1141890, MONDO:0019171.
Atrial fibrillation, familial, 3 (ATFB3). Identifiers: MedGen C1837014, MONDO:0011857, OMIM 607554.
Long QT syndrome 1 (LQT1). Identifiers: Orphanet 101016, Orphanet 768, MedGen C4551647, MONDO:0100316, OMIM 192500, MONDO:0008646.
Beckwith-Wiedemann syndrome (BWS). Also called: Exomphalos macroglossia gigantism syndrome; EMG SYNDROME. Identifiers: Orphanet 116, MedGen C0004903, MONDO:0007534, OMIM 130650.
Jervell and Lange-Nielsen syndrome 1 (JLNS1). Also called: CARDIOAUDITORY SYNDROME OF JERVELL AND LANGE-NIELSEN; DEAFNESS, CONGENITAL, AND FUNCTIONAL HEART DISEASE; PROLONGED QT INTERVAL IN EKG AND SUDDEN DEATH; SURDO-CARDIAC SYNDROME. Identifiers: Orphanet 768, Orphanet 90647, MedGen C4551509, MONDO:0024540, OMIM 220400.
Short QT syndrome type 2. Identifiers: Orphanet 51083, MedGen C1865019, MONDO:0012313, OMIM 609621.
Long QT syndrome (LQTS). Identifiers: MedGen C0023976, MeSH D008133, MONDO:0002442. Disease mechanism: loss of function. Inheritance: Various modes of inheritance.

Allele frequency attached by ClinVar (database versions not stated): ExAC 0.00007; TOPMed 0.00002; gnomAD 0.00001; gnomAD exomes 0.00005.
gnomAD v4.1: 51 of 1,612,526 alleles (0.0032%); highest among the groups gnomAD compares: Middle Eastern, 0.2%; no homozygotes.

Submissions (15):

ClinGen Potassium Channel Arrhythmia Variant Curation Expert Panel, ClinGen
Classification: Benign for Long QT syndrome 1. Last evaluated: 2025-07-01. Review status: reviewed by expert panel. Criteria: ClinGen KChannel ACMG Specifications KCNQ1 V1.0.0 2. Collection method: curation. Allele origin: germline. Inheritance: Autosomal dominant inheritance.
Comment: NM_000218.3(KCNQ1):c.514G>A is a missense variant that substitutes valine with methionine at codon 172 (p.Val172Met). This variant is present in gnomAD v.4.1.0 at a maximum allele frequency of 0.0001317, with 12 alleles / 91,084 total alleles in the South Asian population, which is higher than the ClinGen Potassium Channel Arrhythmia VCEP BS1 threshold of >0.0001 (BS1). At least two patients affected with long QT syndrome have been identified with the p.Val172Met and p.Arg293Cys variants in cis, in the homozygous state (PMID: 28944242, PMID: 28438721). However, PM3 is not met because the variant is not sufficiently rare. The variant has been observed in a family with long QT syndrome but fails to segregate with the disease phenotype in at least 2 affected members (PMID: 28438721; BS4). This variant has been observed in at least 2 probands with a possible alternate molecular basis for disease, however, the alternative variants are located within KCNQ1 itself and the phenotype does not match another form of LQTS, so this evidence is not considered eligible for the BP5 code (PMID: 28944242, PMID: 28438721). Exogenously expressed KCNQ1 harboring this variant has an IKs of 1.117 (expressed as a fraction of the wild-type), which indicates higher-than-wild-type activity within the near-normal range (PMID: 30571187). The Meiler Lab functional impact predictor gave this variant a classification of normal for IKs, V1/2_classification, Tau of activation, and Tau of deactviation, consistent with benign impact on the protein product (PMID: 29021305, BS3_Moderate). In summary, this variant meets the criteria to be classified as benign for long QT syndrome 1 based on the ACMG/AMP criteria applied, as specified by the ClinGen Potassium Channel Arrhythmia VCEP: BS1, BS4, and BS3_Moderate. (VCEP specifications version 1.0.0; date of approval 03/04/2025).

Labcorp Genetics (formerly Invitae), Labcorp
Classification: Uncertain significance for Long QT syndrome. Last evaluated: 2025-12-19. Review status: criteria provided, single submitter. Criteria: Invitae Variant Classification Sherloc (09022015). Collection method: clinical testing. Allele origin: germline. Not counted in ClinVar's aggregate classification.
Comment: This sequence change replaces valine, which is neutral and non-polar, with methionine, which is neutral and non-polar, at codon 172 of the KCNQ1 protein (p.Val172Met). This variant is present in population databases (rs199472694, gnomAD 0.02%). This missense change has been observed in individual(s) with long QT syndrome (PMID: 14678125, 27650965, 28944242, 31737537, 34505893). ClinVar contains an entry for this variant (Variation ID: 67078). An algorithm developed to predict the effect of missense changes on protein structure and function outputs the following: PolyPhen-2: "Benign". The methionine amino acid residue is found in multiple mammalian species, which suggests that this missense change does not adversely affect protein function. In summary, the available evidence is currently insufficient to determine the role of this variant in disease. Therefore, it has been classified as a Variant of Uncertain Significance.

CeGaT Center for Human Genetics Tuebingen
Classification: Uncertain significance. Last evaluated: 2025-05-01. Review status: criteria provided, single submitter. Criteria: CeGaT Center For Human Genetics Tuebingen Variant Classification Criteria Version 2. Collection method: clinical testing. Allele origin: germline. Affected: yes. Observed: 1 variant allele. Not counted in ClinVar's aggregate classification.
Comment: KCNQ1: PM1, PM2:Supporting

GeneDx
Classification: Uncertain significance. Last evaluated: 2025-03-11. Review status: criteria provided, single submitter. Criteria: GeneDx Variant Classification Process June 2021. Collection method: clinical testing. Allele origin: germline. Affected: yes. Not counted in ClinVar's aggregate classification.
Comment: In silico analysis indicates that this missense variant does not alter protein structure/function; Observed on the same allele (in cis) with p.(R293C) in unrelated patients at GeneDx; This variant is associated with the following publications: (PMID: 27650965, 14678125, 26077850, 27159321, 27884173, 28944242, 30919684, 34426522, 34505893, 35463915, 22581653, 31737537, 31751626, 19716085, 29197658, 28438721)

Blueprint Genetics
Classification: Likely benign. Last evaluated: 2024-06-07. Review status: criteria provided, single submitter. Criteria: ACMG Guidelines, 2015. Collection method: clinical testing. Allele origin: germline. Not counted in ClinVar's aggregate classification.

Clinical Genetics Laboratory, Skane University Hospital Lund
Classification: Uncertain significance. Last evaluated: 2024-01-29. Review status: criteria provided, single submitter. Criteria: ACMG Guidelines, 2015. Collection method: clinical testing. Allele origin: germline. Affected: yes. Not counted in ClinVar's aggregate classification.

Color Diagnostics, LLC DBA Color Health
Classification: Likely benign for Cardiac arrhythmia. Last evaluated: 2022-09-21. Review status: criteria provided, single submitter. Criteria: ACMG Guidelines, 2015. Collection method: clinical testing. Allele origin: germline. Not counted in ClinVar's aggregate classification.

Ambry Genetics
Classification: Uncertain significance for Cardiovascular phenotype. Last evaluated: 2021-03-23. Review status: criteria provided, single submitter. Criteria: Ambry Variant Classification Scheme 2023. Collection method: clinical testing. Allele origin: germline. Not counted in ClinVar's aggregate classification.

Dubai Health Genomic Medicine Center, Dubai Health
Classification: Uncertain significance. Last evaluated: 2020-02-11. Review status: criteria provided, single submitter. Criteria: ACMG Guidelines, 2015. Collection method: clinical testing. Allele origin: germline. Affected: yes. Not counted in ClinVar's aggregate classification.
Comment: The p.Val172Met missense variant in KCNQ1 has been previously reported in the heterozygous state in one individual with sudden cardiac death (PMID:27650965) and in 2 other individuals with Long QT syndrome (PMID:14678125). The variants were found to be in cis- in parents who were asymptomatic (PMID:28944242). This variant was also identified in 7/30608 (0.0229% 0 homozygotes) South Asian alleles in gnomAD. ClinVar has multiple entries for this variant and reportedly internal data from GeneDx indicate that this variant is present in Arab populations at a frequency greater than expected for LQTS suggesting it may be a rare benign variant in this population. In Saudi Human Genome Project this variant was observed in 51/4145 alleles (1.2% 1 homozygote) and reclassified to benign (PMID: 27884173). Computational prediction tools and conservation analysis do not suggest an impact to proetin function. In summary given the onflicting evidence the clinical significance of this variant is uncertain though we lean more towards a likely benign role.

Fulgent Genetics
Classification: Uncertain significance for Beckwith-Wiedemann syndrome; Long QT syndrome 1; Jervell and Lange-Nielsen syndrome 1; Atrial fibrillation, familial, 3; Short QT syndrome type 2. Last evaluated: 2018-10-31. Review status: criteria provided, single submitter. Criteria: ACMG Guidelines, 2015. Collection method: clinical testing. Allele origin: unknown. Not counted in ClinVar's aggregate classification.

Illumina Laboratory Services, Illumina
Classification: Uncertain significance for Long QT syndrome 1. Last evaluated: 2017-05-16. Review status: criteria provided, single submitter. Criteria: ICSL Variant Classification Criteria 13 December 2019. Collection method: clinical testing. Allele origin: germline. Not counted in ClinVar's aggregate classification.
Comment: This variant was observed as part of a predisposition screen in an ostensibly healthy population. A literature search was performed for the gene, cDNA change, and amino acid change (where applicable). Publications were found based on this search. However, the evidence from the literature, in combination with allele frequency data from public databases where available, was not sufficient to rule this variant in or out of causing disease. Therefore, this variant is classified as a variant of unknown significance.

Illumina Laboratory Services, Illumina
Classification: Benign for Short QT syndrome type 2. Last evaluated: 2017-04-27. Review status: criteria provided, single submitter. Criteria: ICSL Variant Classification Criteria 13 December 2019. Collection method: clinical testing. Allele origin: germline. Not counted in ClinVar's aggregate classification.
Comment: This variant was observed as part of a predisposition screen in an ostensibly healthy population. A literature search was performed for the gene, cDNA change, and amino acid change (where applicable). No publications were found based on this search. Allele frequency data from public databases was too high to be consistent with this variant causing disease. Therefore, this variant is classified as benign.

Illumina Laboratory Services, Illumina
Classification: Uncertain significance for Jervell and Lange-Nielsen syndrome 1. Last evaluated: 2017-04-27. Review status: criteria provided, single submitter. Criteria: ICSL Variant Classification Criteria 13 December 2019. Collection method: clinical testing. Allele origin: germline. Not counted in ClinVar's aggregate classification.

Illumina Laboratory Services, Illumina
Classification: Uncertain significance for Atrial fibrillation, familial, 3. Last evaluated: 2017-04-27. Review status: criteria provided, single submitter. Criteria: ICSL Variant Classification Criteria 13 December 2019. Collection method: clinical testing. Allele origin: germline. Not counted in ClinVar's aggregate classification.

Cardiovascular Biomedical Research Unit, Royal Brompton & Harefield NHS Foundation Trust
No classification provided. Condition: Familial long QT syndrome. Review status: no classification provided. Collection method: literature only. Allele origin: germline. Not counted in ClinVar's aggregate classification.
Comment: This variant has been reported as associated with Long QT syndrome in the following publications (PMID:14678125;PMID:19716085). This is a literature report, and does not necessarily reflect the clinical interpretation of the Imperial College / Royal Brompton Cardiovascular Genetics laboratory.

Literature cited by the submitters: PubMed 14678125 (cited by 3 submitters); PubMed 27650965 (cited by Labcorp Genetics (formerly Invitae), Labcorp and Illumina Laboratory Services, Illumina); PubMed 28944242 (cited by Labcorp Genetics (formerly Invitae), Labcorp); PubMed 31737537 (cited by Labcorp Genetics (formerly Invitae), Labcorp); PubMed 34505893 (cited by Labcorp Genetics (formerly Invitae), Labcorp); PubMed 28438721 (cited by Illumina Laboratory Services, Illumina); PubMed 27884173 (cited by Illumina Laboratory Services, Illumina); PubMed 27159321 (cited by Illumina Laboratory Services, Illumina); PubMed 26077850 (cited by Illumina Laboratory Services, Illumina); PubMed 19716085 (cited by Illumina Laboratory Services, Illumina and Cardiovascular Biomedical Research Unit, Royal Brompton & Harefield NHS Foundation Trust); PubMed 22581653 (cited by Cardiovascular Biomedical Research Unit, Royal Brompton & Harefield NHS Foundation Trust).